The following is an entry in ClinVar:

NM_000268.4(NF2):c.1650A>T (p.Lys550Asn)

Gene: NF2 (NF2, moesin-ezrin-radixin like (MERLIN) tumor suppressor; plus strand). Cytogenetic location: 22q12.2.
Variant type: single nucleotide variant.
Coding change: c.1650A>T on transcript NM_000268.4 (MANE Select); coding-DNA position 1650, A replaced by T.
Protein change: p.Lys550Asn; replaces lysine 550 with asparagine.
Molecular consequence: missense variant. On other transcripts: intron variant (3).
Genome position (GRCh38, 1-based): chr22:29,681,514, A>T. VCF-style: chr22-29681514-A-T. GRCh37 (hg19) VCF-style: chr22-30077503-A-T.
Other names: c.1536A>T, p.Lys512Asn (NM_001407056.1, NM_001407053.1); c.1527A>T, p.Lys509Asn (NM_001407054.1, NM_001407058.1, NM_181829.3); c.1392A>T, p.Lys464Asn (NM_001407062.1); c.1401A>T, p.Lys467Asn (NM_001407063.1, NM_181830.3, NM_181831.3); c.1524A>T, p.Lys508Asn (NM_001407055.1, NM_181828.3); c.1515A>T, p.Lys505Asn (NM_001407057.1, NM_001407059.1); c.1116A>T, p.Lys372Asn (NM_001407065.1); c.1650A>T, p.Lys550Asn (NM_001407066.1, NM_016418.5, NM_181825.3 and 1 more transcripts); and 4 more; short protein forms K505N, K509N, K512N, K550N, K467N, K473N, K464N, K508N.
Identifiers: ClinVar variation 2587697 (VCV002587697.2), dbSNP rs2518735083, ClinGen allele CA411150187.

ClinVar aggregate classification (germline): Uncertain significance (1 of 4 stars; one submission).

Conditions:
Hereditary cancer-predisposing syndrome. Also called: Tumor predisposition; Hereditary Cancer Syndrome; Hereditary neoplastic syndrome; Neoplastic Syndromes, Hereditary. Identifiers: Orphanet 140162, MedGen C0027672, MeSH D009386, MONDO:0015356.

Submission:

Ambry Genetics
Classification: Uncertain significance for Hereditary cancer-predisposing syndrome. Last evaluated: 2023-06-20. Review status: criteria provided, single submitter. Criteria: Ambry Variant Classification Scheme 2023. Collection method: clinical testing. Allele origin: germline.
Comment: The p.K550N variant (also known as c.1650A>T), located in coding exon 15 of the NF2 gene, results from an A to T substitution at nucleotide position 1650. The lysine at codon 550 is replaced by asparagine, an amino acid with similar properties. This amino acid position is conserved. In addition, the in silico prediction for this alteration is inconclusive. Since supporting evidence is limited at this time, the clinical significance of this alteration remains unclear.